The following is an entry in ClinVar:

ClinVar aggregate classification (germline): Likely pathogenic (1 of 4 stars; one submission).

Conditions:
Multiple congenital anomalies-hypotonia-seizures syndrome 1 (MCAHS1). Also called: PIGN-CDG; Congenital disorder of glycosylation due to PIGN deficiency; GLYCOSYLPHOSPHATIDYLINOSITOL BIOSYNTHESIS DEFECT 3. Identifiers: Orphanet 280633, MedGen C3279775, MONDO:0013563, OMIM 614080.

Allele frequency attached by ClinVar (database versions not stated): gnomAD exomes below 0.00001.
gnomAD v4.1: 1 of 1,518,066 alleles (0.000066%); highest among the groups gnomAD compares: East Asian, 0.0023%; no homozygotes.

Submission:

Labcorp Genetics (formerly Invitae), Labcorp
Classification: Likely pathogenic for Multiple congenital anomalies-hypotonia-seizures syndrome 1. Last evaluated: 2023-08-27. Review status: criteria provided, single submitter. Criteria: Invitae Variant Classification Sherloc (09022015). Collection method: clinical testing. Allele origin: germline.
Comment: In summary, the currently available evidence indicates that the variant is pathogenic, but additional data are needed to prove that conclusively. Therefore, this variant has been classified as Likely Pathogenic. Algorithms developed to predict the effect of sequence changes on RNA splicing suggest that this variant may disrupt the consensus splice site. This variant has not been reported in the literature in individuals affected with PIGN-related conditions. This variant is not present in population databases (gnomAD no frequency). This sequence change affects an acceptor splice site in intron 10 of the PIGN gene. It is expected to disrupt RNA splicing. Variants that disrupt the donor or acceptor splice site typically lead to a loss of protein function (PMID: 16199547), and loss-of-function variants in PIGN are known to be pathogenic (PMID: 24253414, 27038415).

Literature cited by the submitters: PubMed 16199547; PubMed 24253414; PubMed 27038415.

NM_176787.5(PIGN):c.923-1G>T

Gene: PIGN (phosphatidylinositol glycan anchor biosynthesis class N; minus strand). Cytogenetic location: 18q21.33.
Variant type: single nucleotide variant.
Coding change: c.923-1G>T on transcript NM_176787.5 (MANE Select); the canonical splice acceptor site of the intron before coding-DNA position 923, G replaced by T.
Molecular consequence: splice acceptor variant.
Genome position (GRCh38, 1-based): chr18:62,143,347, C>A on the plus strand (G>T on the coding strand, the complement: PIGN is on the minus strand). VCF-style: chr18-62143347-C-A. GRCh37 (hg19) VCF-style: chr18-59810580-C-A.
Other names: c.923-1G>T (NM_012327.6).
Identifiers: ClinVar variation 3021753 (VCV003021753.3), dbSNP rs1000602230, ClinGen allele CA402600799.
Genomic context (GRCh38, chr18:62,143,347, plus strand): 5'-ATAAAATCGAACTGGATACCTGATTGACATCTAGCCTCTTCCAATTCTCCAATCTCCACT[C>A]TGAAAGATACAATCAGACACAAGATCTGATGTTAAGATTTAAAAAAGAATAAATCATTTG-3'